The following is an entry in ClinVar:

NM_001942.4(DSG1):c.2326C>T (p.Pro776Ser)

Genes: DSG1 (desmoglein 1; plus strand), DSG1-AS1 (DSG1 antisense RNA 1; minus strand), LOC126862720 (MED14-independent group 3 enhancer GRCh37_chr18:28933613-28934812; plus strand). Cytogenetic location: 18q12.1.
Variant type: single nucleotide variant.
Coding change: c.2326C>T on transcript NM_001942.4 (MANE Select); coding-DNA position 2326, C replaced by T.
Protein change: p.Pro776Ser; replaces proline 776 with serine.
Molecular consequence: missense variant.
Genome position (GRCh38, 1-based): chr18:31,354,522, C>T. VCF-style: chr18-31354522-C-T. GRCh37 (hg19) VCF-style: chr18-28934485-C-T.
Other names: short protein forms P776S.
Identifiers: ClinVar variation 1473498 (VCV001473498.6), dbSNP rs112401974, ClinGen allele CA8926338.
Genomic context (GRCh38, chr18:31,354,522, plus strand): 5'-AAGAAGTTGGCAGACATCAGCCTAGGAAAAGAATCATATCCAGACCTTGATCCTTCTTGG[C>T]CACCACAAAGCACTGAACCAGTTTGCCTTCCTCAGGAAACAGAGCCCGTTGTTAGTGGAC-3'
Protein context (NP_001933.2, residues 766-786): ESYPDLDPSW[Pro776Ser]PQSTEPVCLP

ClinVar aggregate classification (germline): Uncertain significance (1 of 4 stars; one submission).

Allele frequency attached by ClinVar (database versions not stated): gnomAD exomes 0.00002; ExAC 0.00003; gnomAD 0.00010 and 0.00012; TOPMed 0.00011; ESP Exome Variant Server 0.00023; 1000 Genomes Project 30x 0.00031; 1000 Genomes Project 0.00040.
gnomAD v4.1: 69 of 1,614,152 alleles (0.0043%); highest among the groups gnomAD compares: African/African-American, 0.065%; no homozygotes.

Submission:

Labcorp Genetics (formerly Invitae), Labcorp
Classification: Uncertain significance. Last evaluated: 2025-10-06. Review status: criteria provided, single submitter. Criteria: Invitae Variant Classification Sherloc (09022015). Collection method: clinical testing. Allele origin: germline.
Comment: This sequence change replaces proline, which is neutral and non-polar, with serine, which is neutral and polar, at codon 776 of the DSG1 protein (p.Pro776Ser). This variant is present in population databases (rs112401974, gnomAD 0.05%). This variant has not been reported in the literature in individuals affected with DSG1-related conditions. ClinVar contains an entry for this variant (Variation ID: 1473498). Invitae Evidence Modeling of protein sequence and biophysical properties (such as structural, functional, and spatial information, amino acid conservation, physicochemical variation, residue mobility, and thermodynamic stability) indicates that this missense variant is not expected to disrupt DSG1 protein function with a negative predictive value of 80%. In summary, the available evidence is currently insufficient to determine the role of this variant in disease. Therefore, it has been classified as a Variant of Uncertain Significance.